The following is an entry in ClinVar:

ClinVar aggregate classification (germline): Uncertain significance (1 of 4 stars; one submission).

Conditions:
Catecholaminergic polymorphic ventricular tachycardia (CVPT). Also called: Catecholamine-induced polymorphic ventricular tachycardia. Identifiers: Orphanet 3286, MedGen C5574922, MONDO:0017990.

Submission:

All of Us Research Program, National Institutes of Health
Classification: Uncertain significance for Catecholaminergic polymorphic ventricular tachycardia. Last evaluated: 2023-05-16. Review status: criteria provided, single submitter. Criteria: ACMG Guidelines, 2015. Collection method: clinical testing. Allele origin: germline. Inheritance: Autosomal dominant inheritance. Observed: 1 variant allele, 1 heterozygote.
Comment: This missense variant replaces leucine with phenylalanine at codon 2737 of the RYR2 protein. Computational prediction suggests that this variant may not impact protein structure and function (internally defined REVEL score threshold <= 0.5, PMID: 27666373). To our knowledge, functional studies have not been reported for this variant. This variant has not been reported in individuals affected with RYR2-related disorders in the literature. This variant has not been identified in the general population by the Genome Aggregation Database (gnomAD). The available evidence is insufficient to determine the role of this variant in disease conclusively. Therefore, this variant is classified as a Variant of Uncertain Significance.

This study involves interpretation of variants in research participants for the purpose of population health screening. Participant phenotype was not available at the time of variant classification. Additional details can be found in publication PMID: 35346344, PMCID: PMC8962531

NM_001035.3(RYR2):c.8211G>T (p.Leu2737Phe)

Gene: RYR2 (ryanodine receptor 2; plus strand). Cytogenetic location: 1q43.
Variant type: single nucleotide variant.
Coding change: c.8211G>T on transcript NM_001035.3 (MANE Select); coding-DNA position 8211, G replaced by T.
Protein change: p.Leu2737Phe; replaces leucine 2737 with phenylalanine.
Molecular consequence: missense variant.
Genome position (GRCh38, 1-based): chr1:237,659,987, G>T. VCF-style: chr1-237659987-G-T. GRCh37 (hg19) VCF-style: chr1-237823287-G-T.
Other names: short protein forms L2737F.
Identifiers: ClinVar variation 3071225 (VCV003071225.1), dbSNP rs2547113852, ClinGen allele CA345401310.
Genomic context (GRCh38, chr1:237,659,987, plus strand): 5'-CTACAATCTCTAAAATTAACACGTGTAAAACAATTTTTAATGTTTGCCTTTTTTTAAGTT[G>T]GCAAATGGATGGATTTATGGAGAAATATATTCAGACTCTTCTAAGGTTCAGCCATTAATG-3'
Protein context (NP_001026.2, residues 2727-2747): HSHDKWSMDK[Leu2737Phe]ANGWIYGEIY